The following is an entry in ClinVar:

NM_020433.5(JPH2):c.916A>G (p.Ser306Gly)

Gene: JPH2 (junctophilin 2; minus strand). Cytogenetic location: 20q13.12.
Variant type: single nucleotide variant.
Coding change: c.916A>G on transcript NM_020433.5 (MANE Select); coding-DNA position 916, A replaced by G.
Protein change: p.Ser306Gly; replaces serine 306 with glycine.
Molecular consequence: missense variant.
Genome position (GRCh38, 1-based): chr20:44,159,871, T>C on the plus strand (A>G on the coding strand, the complement: JPH2 is on the minus strand). VCF-style: chr20-44159871-T-C. GRCh37 (hg19) VCF-style: chr20-42788511-T-C.
Other names: short protein forms S306G.
Identifiers: ClinVar variation 1032840 (VCV001032840.1), dbSNP rs2072594051, ClinGen allele CA409093394.
Genomic context (GRCh38, chr20:44,159,871, plus strand): 5'-AGCCGTGGCGCAGGTTGTCCAGCCACTCGCCCTCGTAGCGGAGGCCACTGGAGCGTTCGC[T>C]CACGCCGAAGCCCGAGCGTTTGTCGTTCTTCCACTCGCCCATGTAGGTCTCGGTGGTGGT-3'
Protein context (NP_065166.2, residues 296-316): KNDKRSGFGV[Ser306Gly]ERSSGLRYEG

ClinVar aggregate classification (germline): Uncertain significance (1 of 4 stars; one submission).

Conditions:
Hypertrophic cardiomyopathy 17. Identifiers: MedGen C3151264, MONDO:0013474, OMIM 613873.

Submission:

Baylor Genetics
Classification: Uncertain significance for Hypertrophic cardiomyopathy 17. Last evaluated: 2018-07-06. Review status: criteria provided, single submitter. Criteria: ACMG Guidelines, 2015. Collection method: clinical testing. Allele origin: maternal. Affected: yes.
Comment: This variant was determined to be of uncertain significance according to ACMG Guidelines, 2015 [PMID:25741868].